The following is an entry in ClinVar:

ClinVar aggregate classification (germline): Uncertain significance. Review status: criteria provided, multiple submitters, no conflicts (2 of 4 stars). 2 submissions from 2 submitters: Uncertain significance (2). Last evaluated 2024-07-09.

Conditions:
Inborn genetic diseases. Identifiers: MedGen C0950123, MeSH D030342.

Allele frequency attached by ClinVar (database versions not stated): ExAC 0.00002; gnomAD exomes 0.00002; gnomAD 0.00003; TOPMed 0.00003; ESP Exome Variant Server 0.00015.
gnomAD v4.1: 34 of 1,614,082 alleles (0.0021%); highest among the groups gnomAD compares: Non-Finnish European, 0.0029%; no homozygotes.

Submissions (2):

Ambry Genetics
Classification: Uncertain significance for Inborn genetic diseases. Last evaluated: 2024-07-09. Review status: criteria provided, single submitter. Criteria: Ambry Variant Classification Scheme 2023. Collection method: clinical testing. Allele origin: germline.

Labcorp Genetics (formerly Invitae), Labcorp
Classification: Uncertain significance. Last evaluated: 2021-07-25. Review status: criteria provided, single submitter. Criteria: Invitae Variant Classification Sherloc (09022015). Collection method: clinical testing. Allele origin: germline.
Comment: This sequence change replaces serine with phenylalanine at codon 578 of the PCDH12 protein (p.Ser578Phe). The serine residue is highly conserved and there is a large physicochemical difference between serine and phenylalanine. This variant is present in population databases (rs145624200, ExAC 0.004%). This variant has not been reported in the literature in individuals affected with PCDH12-related conditions. Advanced modeling of protein sequence and biophysical properties (such as structural, functional, and spatial information, amino acid conservation, physicochemical variation, residue mobility, and thermodynamic stability) performed at Invitae indicates that this missense variant is not expected to disrupt PCDH12 protein function. In summary, the available evidence is currently insufficient to determine the role of this variant in disease. Therefore, it has been classified as a Variant of Uncertain Significance.

NM_016580.4(PCDH12):c.1733C>T (p.Ser578Phe)

Genes: PCDH12 (protocadherin 12; minus strand), RNF14 (ring finger protein 14; plus strand). Cytogenetic location: 5q31.3.
Variant type: single nucleotide variant.
Coding change: c.1733C>T on transcript NM_016580.4 (MANE Select); coding-DNA position 1733, C replaced by T.
Protein change: p.Ser578Phe; replaces serine 578 with phenylalanine.
Molecular consequence: missense variant.
Genome position (GRCh38, 1-based): chr5:141,956,119, G>A on the plus strand (C>T on the coding strand, the complement: PCDH12 is on the minus strand). VCF-style: chr5-141956119-G-A. GRCh37 (hg19) VCF-style: chr5-141335684-G-A.
Other names: c.1733C>T (NM_016580.2); short protein forms S578F.
Identifiers: ClinVar variation 1911993 (VCV001911993.3), dbSNP rs145624200, ClinGen allele CA3484355.